The following is an entry in ClinVar:

ClinVar aggregate classification (germline): Uncertain significance (1 of 4 stars; one submission).

Submission:

Labcorp Genetics (formerly Invitae), Labcorp
Classification: Uncertain significance. Last evaluated: 2025-06-22. Review status: criteria provided, single submitter. Criteria: Invitae Variant Classification Sherloc (09022015). Collection method: clinical testing. Allele origin: germline.
Comment: This sequence change replaces proline, which is neutral and non-polar, with histidine, which is basic and polar, at codon 289 of the COL11A2 protein (p.Pro289His). This variant is not present in population databases (gnomAD no frequency). This variant has not been reported in the literature in individuals affected with COL11A2-related conditions. Invitae Evidence Modeling of protein sequence and biophysical properties (such as structural, functional, and spatial information, amino acid conservation, physicochemical variation, residue mobility, and thermodynamic stability) indicates that this missense variant is not expected to disrupt COL11A2 protein function with a negative predictive value of 95%. In summary, the available evidence is currently insufficient to determine the role of this variant in disease. Therefore, it has been classified as a Variant of Uncertain Significance.

NM_080680.3(COL11A2):c.866C>A (p.Pro289His)

Gene: COL11A2 (collagen type XI alpha 2 chain; minus strand). Cytogenetic location: 6p21.32.
Variant type: single nucleotide variant.
Coding change: c.866C>A on transcript NM_080680.3 (MANE Select); coding-DNA position 866, C replaced by A.
Protein change: p.Pro289His; replaces proline 289 with histidine.
Molecular consequence: missense variant. On other transcripts: intron variant (2).
Genome position (GRCh38, 1-based): chr6:33,185,711, G>T on the plus strand (C>A on the coding strand, the complement: COL11A2 is on the minus strand). VCF-style: chr6-33185711-G-T. GRCh37 (hg19) VCF-style: chr6-33153488-G-T.
Other names: c.866C>A, p.Pro289His (NM_001424108.1); c.20C>A, p.Pro7His (NM_001424109.1, NM_001424110.1, NM_001424111.1); c.798+916C>A (NM_080679.3); c.799-657C>A (NM_080681.3); short protein forms P289H, P7H.
Identifiers: ClinVar variation 4801331 (VCV004801331.1).